The following is an entry in ClinVar:

NM_001160372.4(TRAPPC9):c.284C>T (p.Thr95Ile)

Gene: TRAPPC9 (trafficking protein particle complex subunit 9; minus strand). Cytogenetic location: 8q24.3.
Variant type: single nucleotide variant.
Coding change: c.284C>T on transcript NM_001160372.4 (MANE Select); coding-DNA position 284, C replaced by T.
Protein change: p.Thr95Ile; replaces threonine 95 with isoleucine.
Molecular consequence: missense variant. On other transcripts: non-coding transcript variant (1).
Genome position (GRCh38, 1-based): chr8:140,451,090, G>A on the plus strand (C>T on the coding strand, the complement: TRAPPC9 is on the minus strand). VCF-style: chr8-140451090-G-A. GRCh37 (hg19) VCF-style: chr8-141461189-G-A.
Other names: p.Thr193Ile; c.578C>T (NM_031466.5, NM_031466.7); c.284C>T, p.Thr95Ile (NM_001321646.2, NM_001374682.1, NM_001374683.1 and 2 more transcripts); short protein forms T95I.
Identifiers: ClinVar variation 2085214 (VCV002085214.6), dbSNP rs572436154, ClinGen allele CA4893761.

ClinVar aggregate classification (germline): Likely benign. Review status: criteria provided, multiple submitters, no conflicts (2 of 4 stars). 3 submissions from 3 submitters: Likely benign (3). Last evaluated 2025-09-26.

Conditions:
Inborn genetic diseases. Identifiers: MedGen C0950123, MeSH D030342.

Allele frequency attached by ClinVar (database versions not stated): TOPMed 0.00002; gnomAD 0.00013; ExAC 0.00064; 1000 Genomes Project 0.00080; 1000 Genomes Project 30x 0.00109.

Submissions (3):

Ambry Genetics
Classification: Likely benign for Inborn genetic diseases. Last evaluated: 2025-09-26. Review status: criteria provided, single submitter. Criteria: Ambry Variant Classification Scheme 2023. Collection method: clinical testing. Allele origin: germline.

Mayo Clinic Laboratories, Mayo Clinic
Classification: Likely benign. Last evaluated: 2025-08-27. Review status: criteria provided, single submitter. Criteria: ACMG Guidelines, 2015. Collection method: clinical testing. Allele origin: germline. Observed: 1 variant allele.
Comment: BS1, BP4_moderate

Labcorp Genetics (formerly Invitae), Labcorp
Classification: Likely benign. Last evaluated: 2025-08-16. Review status: criteria provided, single submitter. Criteria: Invitae Variant Classification Sherloc (09022015). Collection method: clinical testing. Allele origin: germline.